The following is an entry in ClinVar:

NM_000548.5(TSC2):c.3884-17C>T

Gene: TSC2 (TSC complex subunit 2; plus strand). Cytogenetic location: 16p13.3.
Variant type: single nucleotide variant.
Coding change: c.3884-17C>T on transcript NM_000548.5 (MANE Select); 17 bases into the intron before coding-DNA position 3884, C replaced by T.
Molecular consequence: intron variant.
Genome position (GRCh38, 1-based): chr16:2,083,678, C>T. VCF-style: chr16-2083678-C-T. GRCh37 (hg19) VCF-style: chr16-2133679-C-T.
Other names: c.3815-17C>T (NM_001114382.3); c.3755-17C>T (NM_021055.3, NM_001370405.1); c.3686-17C>T (NM_001363528.2); c.3752-17C>T (NM_001370404.1); c.3683-17C>T (NM_001077183.3); c.3575-17C>T (NM_001318827.2); c.3152-17C>T (NM_001318831.2); c.3539-17C>T (NM_001318829.2); and 1 more.
Identifiers: ClinVar variation 1654453 (VCV001654453.9), dbSNP rs45517317, ClinGen allele CA620379141.

ClinVar aggregate classification (germline): Likely benign. Review status: criteria provided, multiple submitters, no conflicts (2 of 4 stars). 2 submissions from 2 submitters: Likely benign (2). Last evaluated 2025-12-23.

Conditions:
Tuberous sclerosis 2 (TSC2). Identifiers: Orphanet 805, MedGen C1860707, MONDO:0013199, OMIM 613254.

gnomAD v4.1: 14 of 1,569,716 alleles (0.00089%); highest among the groups gnomAD compares: South Asian, 0.0035%; no homozygotes.

Submissions (2):

Labcorp Genetics (formerly Invitae), Labcorp
Classification: Likely benign for Tuberous sclerosis 2. Last evaluated: 2025-12-23. Review status: criteria provided, single submitter. Criteria: Invitae Variant Classification Sherloc (09022015). Collection method: clinical testing. Allele origin: germline.

Myriad Genetics, Inc.
Classification: Likely benign for Tuberous sclerosis 2. Last evaluated: 2025-06-02. Review status: criteria provided, single submitter. Criteria: Myriad Autosomal Dominant, Autosomal Recessive and X-Linked Classification Criteria (2023). Collection method: clinical testing. Allele origin: unknown.
Comment: This variant is considered likely benign. This variant is intronic and is not expected to impact mRNA splicing.